The following is an entry in ClinVar:

NM_001351132.2(PEX5):c.1664A>G (p.Tyr555Cys)

Gene: PEX5 (peroxisomal biogenesis factor 5; plus strand). Cytogenetic location: 12p13.31.
Variant type: single nucleotide variant.
Coding change: c.1664A>G on transcript NM_001351132.2 (MANE Select); coding-DNA position 1664, A replaced by G.
Protein change: p.Tyr555Cys; replaces tyrosine 555 with cysteine.
Molecular consequence: missense variant.
Genome position (GRCh38, 1-based): chr12:7,209,786, A>G. VCF-style: chr12-7209786-A-G. GRCh37 (hg19) VCF-style: chr12-7362382-A-G.
Other names: c.1640A>G, p.Tyr547Cys (NM_000319.5); c.1709A>G, p.Tyr570Cys (NM_001131023.2); c.1553A>G, p.Tyr518Cys (NM_001131024.2, NM_001351124.3, NM_001351126.2 and 7 more transcripts); c.1664A>G, p.Tyr555Cys (NM_001131025.2, NM_001131026.2, NM_001300789.3 and 4 more transcripts); c.1598A>G, p.Tyr533Cys (NM_001351135.3, NM_001351138.2); c.1655A>G, p.Tyr552Cys (NM_001351136.2); c.1529A>G, p.Tyr510Cys (NM_001351139.2, NM_001351140.2, NM_001374649.2); short protein forms Y570C, Y547C, Y510C, Y533C, Y552C, Y555C, Y518C.
Identifiers: ClinVar variation 1479026 (VCV001479026.5), dbSNP rs1169699895, ClinGen allele CA383738388.
Genomic context (GRCh38, chr12:7,209,786, plus strand): 5'-GAAACCAGAGTGAAGAAGCAGTAGCTGCGTACCGCCGGGCCCTCGAGCTCCAGCCTGGCT[A>G]TATCCGGTCCCGCTATAACCTGGGCATCAGCTGCATCAACCTCGGGGCTCACCGGTGAGA-3'
Protein context (NP_001338061.1, residues 545-565): YRRALELQPG[Tyr555Cys]IRSRYNLGIS

ClinVar aggregate classification (germline): Uncertain significance (1 of 4 stars; one submission).

Conditions:
Peroxisome biogenesis disorder 2B (PBD2B). Identifiers: Orphanet 44, MedGen C3550234, MONDO:0008736, OMIM 202370.

Allele frequency attached by ClinVar (database versions not stated): gnomAD 0.00001.
gnomAD v4.1: 5 of 1,614,078 alleles (0.00031%); highest among the groups gnomAD compares: South Asian, 0.0033%; no homozygotes.

Submission:

Labcorp Genetics (formerly Invitae), Labcorp
Classification: Uncertain significance for Peroxisome biogenesis disorder 2B. Last evaluated: 2022-03-13. Review status: criteria provided, single submitter. Criteria: Invitae Variant Classification Sherloc (09022015). Collection method: clinical testing. Allele origin: germline.
Comment: This sequence change replaces tyrosine, which is neutral and polar, with cysteine, which is neutral and slightly polar, at codon 555 of the PEX5 protein (p.Tyr555Cys). This variant is present in population databases (no rsID available, gnomAD 0.01%). This variant has not been reported in the literature in individuals affected with PEX5-related conditions. Algorithms developed to predict the effect of missense changes on protein structure and function (SIFT, PolyPhen-2, Align-GVGD) all suggest that this variant is likely to be disruptive. In summary, the available evidence is currently insufficient to determine the role of this variant in disease. Therefore, it has been classified as a Variant of Uncertain Significance.